The following is an entry in ClinVar:

NM_000631.5(NCF4):c.739G>A (p.Asp247Asn)

Gene: NCF4 (neutrophil cytosolic factor 4; plus strand). Cytogenetic location: 22q12.3.
Variant type: single nucleotide variant.
Coding change: c.739G>A on transcript NM_000631.5 (MANE Select); coding-DNA position 739, G replaced by A.
Protein change: p.Asp247Asn; replaces aspartic acid 247 with asparagine.
Molecular consequence: missense variant.
Genome position (GRCh38, 1-based): chr22:36,875,764, G>A. VCF-style: chr22-36875764-G-A. GRCh37 (hg19) VCF-style: chr22-37271806-G-A.
Other names: c.739G>A, p.Asp247Asn (NM_013416.4); short protein forms D247N.
Identifiers: ClinVar variation 1508106 (VCV001508106.3), dbSNP rs893324789, ClinGen allele CA323996571.
Genomic context (GRCh38, chr22:36,875,764, plus strand): 5'-CTCAAAGACTTCCCTGAGGAGGACGACCCCACCAACTGGCTGCGTTGCTACTACTACGAA[G>A]ACACCATCAGCACCATCAAGTCTGTGGCCTGGGAGGGAGGGGCCTGTCCAGCCTTCCTGC-3'
Protein context (NP_000622.2, residues 237-257): TNWLRCYYYE[Asp247Asn]TISTIKDIAV

ClinVar aggregate classification (germline): Uncertain significance (1 of 4 stars; one submission).

Conditions:
Granulomatous disease, chronic, autosomal recessive, cytochrome b-positive, type 3. Also called: GRANULOMATOUS DISEASE, CHRONIC, DUE TO NCF4 DEFICIENCY; Granulomatous disease, chronic, autosomal recessive, cytochrome b-positive, type III; GRANULOMATOUS DISEASE, CHRONIC, AUTOSOMAL RECESSIVE, 3; CGD, AUTOSOMAL RECESSIVE CYTOCHROME b-POSITIVE, TYPE III. Identifiers: Orphanet 379, MedGen C3151409, MONDO:0013507, OMIM 613960.

Allele frequency attached by ClinVar (database versions not stated): gnomAD exomes below 0.00001.
gnomAD v4.1: 2 of 1,614,110 alleles (0.00012%); highest among the groups gnomAD compares: Non-Finnish European, 0.00017%; no homozygotes.

Submission:

Labcorp Genetics (formerly Invitae), Labcorp
Classification: Uncertain significance for Granulomatous disease, chronic, autosomal recessive, cytochrome b-positive, type 3. Last evaluated: 2022-07-05. Review status: criteria provided, single submitter. Criteria: Invitae Variant Classification Sherloc (09022015). Collection method: clinical testing. Allele origin: germline.
Comment: This sequence change replaces aspartic acid, which is acidic and polar, with asparagine, which is neutral and polar, at codon 247 of the NCF4 protein (p.Asp247Asn). This variant is not present in population databases (gnomAD no frequency). This variant has not been reported in the literature in individuals affected with NCF4-related conditions. ClinVar contains an entry for this variant (Variation ID: 1508106). Algorithms developed to predict the effect of missense changes on protein structure and function (SIFT, PolyPhen-2, Align-GVGD) all suggest that this variant is likely to be tolerated. In summary, the available evidence is currently insufficient to determine the role of this variant in disease. Therefore, it has been classified as a Variant of Uncertain Significance.